The following is an entry in ClinVar:

NM_004172.5(SLC1A3):c.1397C>T (p.Thr466Met)

Genes: SLC1A3 (solute carrier family 1 member 3; plus strand), SLC1A3-AS1 (SLC1A3 antisense RNA 1; minus strand). Cytogenetic location: 5p13.2.
Variant type: single nucleotide variant.
Coding change: c.1397C>T on transcript NM_004172.5 (MANE Select); coding-DNA position 1397, C replaced by T.
Protein change: p.Thr466Met; replaces threonine 466 with methionine.
Molecular consequence: missense variant. On other transcripts: intron variant (1).
Genome position (GRCh38, 1-based): chr5:36,683,971, C>T. VCF-style: chr5-36683971-C-T. GRCh37 (hg19) VCF-style: chr5-36684073-C-T.
Other names: c.1259C>T, p.Thr420Met (NM_001289939.2); c.1061C>T, p.Thr354Met (NM_001289940.2); c.1290-2094C>T (NM_001166695.3); short protein forms T354M, T420M, T466M.
Identifiers: ClinVar variation 1298988 (VCV001298988.40), dbSNP rs763798684, ClinGen allele CA3235663.

ClinVar aggregate classification (germline): Uncertain significance. Review status: criteria provided, multiple submitters, no conflicts (2 of 4 stars). 3 submissions from 3 submitters: Uncertain significance (3). Last evaluated 2023-12-07.

Conditions:
Episodic ataxia type 6. Identifiers: Orphanet 209967, MedGen C2675211, MONDO:0012982, OMIM 612656.

Allele frequency attached by ClinVar (database versions not stated): gnomAD 0.00002; TOPMed 0.00002.
gnomAD v4.1: 44 of 1,614,106 alleles (0.0027%); highest among the groups gnomAD compares: South Asian, 0.0044%; no homozygotes.

Submissions (3):

Labcorp Genetics (formerly Invitae), Labcorp
Classification: Uncertain significance. Last evaluated: 2023-12-07. Review status: criteria provided, single submitter. Criteria: Invitae Variant Classification Sherloc (09022015). Collection method: clinical testing. Allele origin: germline.
Comment: This sequence change replaces threonine, which is neutral and polar, with methionine, which is neutral and non-polar, at codon 466 of the SLC1A3 protein (p.Thr466Met). This variant is present in population databases (rs763798684, gnomAD 0.006%). This variant has not been reported in the literature in individuals affected with SLC1A3-related conditions. ClinVar contains an entry for this variant (Variation ID: 1298988). Advanced modeling of protein sequence and biophysical properties (such as structural, functional, and spatial information, amino acid conservation, physicochemical variation, residue mobility, and thermodynamic stability) performed at Invitae indicates that this missense variant is not expected to disrupt SLC1A3 protein function with a negative predictive value of 80%. In summary, the available evidence is currently insufficient to determine the role of this variant in disease. Therefore, it has been classified as a Variant of Uncertain Significance.

MGZ Medical Genetics Center
Classification: Uncertain significance for Episodic ataxia type 6. Last evaluated: 2021-10-07. Review status: criteria provided, single submitter. Criteria: ACMG Guidelines, 2015. Collection method: clinical testing. Allele origin: germline. Affected: yes. Observed: 1 variant allele.
Comment: ACMG criteria applied: PM2_SUP, PP3

CeGaT Center for Human Genetics Tuebingen
Classification: Uncertain significance. Last evaluated: 2021-08-01. Review status: criteria provided, single submitter. Criteria: CeGaT Center For Human Genetics Tuebingen Variant Classification Criteria Version 2. Collection method: clinical testing. Allele origin: germline. Affected: yes. Observed: 1 variant allele.